The following is an entry in ClinVar:

NM_014633.5(CTR9):c.98T>C (p.Ile33Thr)

Gene: CTR9 (CTR9 component of Paf1/RNA polymerase II complex; plus strand). Cytogenetic location: 11p15.4.
Variant type: single nucleotide variant.
Coding change: c.98T>C on transcript NM_014633.5 (MANE Select); coding-DNA position 98, T replaced by C.
Protein change: p.Ile33Thr; replaces isoleucine 33 with threonine.
Molecular consequence: missense variant.
Genome position (GRCh38, 1-based): chr11:10,752,724, T>C. VCF-style: chr11-10752724-T-C. GRCh37 (hg19) VCF-style: chr11-10774271-T-C.
Other names: c.98T>C, p.Ile33Thr (NM_001346279.2); short protein forms I33T.
Identifiers: ClinVar variation 4008093 (VCV004008093.2).
Genomic context (GRCh38, chr11:10,752,724, plus strand): 5'-TATTTTAGGTCATTGAACTTGACTTCGATCAGTTACCGGAGGGAGATGAAGTTATCAGTA[T>C]TCTGAAACAGGAACACACACAACTGCACATATGGATTGCTTTGGCGGTCAGTATTCATGT-3'
Protein context (NP_055448.1, residues 23-43): QLPEGDEVIS[Ile33Thr]LKQEHTQLHI

ClinVar aggregate classification (germline): Likely pathogenic (1 of 4 stars; one submission).

Conditions:
Inborn genetic diseases. Identifiers: MedGen C0950123, MeSH D030342.

Submission:

Ambry Genetics
Classification: Likely pathogenic for Inborn genetic diseases. Last evaluated: 2025-08-19. Review status: criteria provided, single submitter. Criteria: Ambry Variant Classification Scheme 2023. Collection method: clinical testing. Allele origin: germline.
Comment: The c.98T>C (p.I33T) alteration is located in exon 2 (coding exon 2) of the CTR9 gene. This alteration results from a T to C substitution at nucleotide position 98, causing the isoleucine (I) at amino acid position 33 to be replaced by a threonine (T). This variant was not reported in population-based cohorts in the Genome Aggregation Database (gnomAD). This amino acid position is highly conserved in available vertebrate species. This missense alteration is located in a region that has a low rate of benign missense variation (Lek, 2016; Firth, 2009). This alteration is predicted to be deleterious by in silico analysis. Based on the available evidence, this alteration is classified as likely pathogenic.